The following is an entry in ClinVar:

ClinVar aggregate classification (germline): Uncertain significance (1 of 4 stars; one submission).

Submission:

Labcorp Genetics (formerly Invitae), Labcorp
Classification: Uncertain significance. Last evaluated: 2025-10-01. Review status: criteria provided, single submitter. Criteria: Invitae Variant Classification Sherloc (09022015). Collection method: clinical testing. Allele origin: germline.
Comment: This sequence change replaces glutamic acid, which is acidic and polar, with aspartic acid, which is acidic and polar, at codon 1297 of the VCAN protein (p.Glu1297Asp). This variant is not present in population databases (gnomAD no frequency). This variant has not been reported in the literature in individuals affected with VCAN-related conditions. ClinVar contains an entry for this variant (Variation ID: 3722488). An algorithm developed to predict the effect of missense changes on protein structure and function (PolyPhen-2) suggests that this variant is likely to be disruptive. In summary, the available evidence is currently insufficient to determine the role of this variant in disease. Therefore, it has been classified as a Variant of Uncertain Significance.

NM_004385.5(VCAN):c.3891A>C (p.Glu1297Asp)

Gene: VCAN (versican; plus strand). Cytogenetic location: 5q14.3.
Variant type: single nucleotide variant.
Coding change: c.3891A>C on transcript NM_004385.5 (MANE Select); coding-DNA position 3891, A replaced by C.
Protein change: p.Glu1297Asp; replaces glutamic acid 1297 with aspartic acid.
Molecular consequence: missense variant. On other transcripts: intron variant (2).
Genome position (GRCh38, 1-based): chr5:83,522,197, A>C. VCF-style: chr5-83522197-A-C. GRCh37 (hg19) VCF-style: chr5-82818016-A-C.
Other names: c.3891A>C, p.Glu1297Asp (NM_001164098.2); c.1042+9801A>C (NM_001164097.2, NM_001126336.3); short protein forms E1297D.
Identifiers: ClinVar variation 3722488 (VCV003722488.2).
Genomic context (GRCh38, chr5:83,522,197, plus strand): 5'-AGAGTATTTCACGACTTCAAGTCCTCCTGCTACACAGCCAACAAGACCACCCACTGTGGA[A>C]GACAAAGAGGCCTTTGGACCTCAGGCGCTTTCTACGCCACAGCCCCCAGCAAGCACAAAA-3'
Protein context (NP_004376.2, residues 1287-1307): ATQPTRPPTV[Glu1297Asp]DKEAFGPQAL